The following is an entry in ClinVar:

ClinVar aggregate classification (germline): Benign. Review status: criteria provided, multiple submitters, no conflicts (2 of 4 stars). 3 submissions from 3 submitters: Benign (2). 1 of the submissions does not count toward it. Last evaluated 2016-03-29.

Conditions:
KIF26B-related disorder. Also called: KIF26B-related condition.

Allele frequency attached by ClinVar (database versions not stated): ESP Exome Variant Server 0.04200; TOPMed 0.06365; 1000 Genomes Project 0.08047; 1000 Genomes Project 30x 0.08276.
gnomAD v4.1: 53,835 of 1,612,438 alleles (3.3%); highest among the groups gnomAD compares: Admixed American, 18%; 2,300 homozygotes.

Submissions (3):

Laboratory for Molecular Medicine, Mass General Brigham Personalized Medicine
Classification: Benign. Last evaluated: 2016-03-29. Review status: criteria provided, single submitter. Criteria: LMM Criteria. Collection method: clinical testing. Allele origin: germline.
Comment: Variant identified in a genome or exome case(s) and assessed due to predicted null impact of the variant or pathogenic assertions in the literature or databases. Disclaimer: This variant has not undergone full assessment. The following are preliminary notes: Frequency

Breakthrough Genomics
Classification: Benign. Review status: criteria provided, single submitter. Criteria: ACMG Guidelines, 2015. Collection method: not provided. Allele origin: germline. Inheritance: Unknown mechanism. Affected: yes.

PreventionGenetics, part of Exact Sciences
Classification: Benign for KIF26B-related condition. Last evaluated: 2019-10-28. Review status: no assertion criteria provided. Collection method: clinical testing. Allele origin: germline. Not counted in ClinVar's aggregate classification.
Comment: This variant is classified as benign based on ACMG/AMP sequence variant interpretation guidelines (Richards et al. 2015 PMID: 25741868, with internal and published modifications).

NM_018012.4(KIF26B):c.4221G>C (p.Pro1407=)

Gene: KIF26B (kinesin family member 26B; plus strand). Cytogenetic location: 1q44.
Variant type: single nucleotide variant.
Coding change: c.4221G>C on transcript NM_018012.4 (MANE Select); coding-DNA position 4221, G replaced by C.
Protein change: p.Pro1407=; no amino-acid change (proline 1407 retained).
Molecular consequence: synonymous variant.
Genome position (GRCh38, 1-based): chr1:245,687,204, G>C. VCF-style: chr1-245687204-G-C. GRCh37 (hg19) VCF-style: chr1-245850506-G-C.
Identifiers: ClinVar variation 403009 (VCV000403009.7), dbSNP rs3806273, ClinGen allele CA1488422.
Genomic context (GRCh38, chr1:245,687,204, plus strand): 5'-GAAGACCAATATCACAGTTTACCCCTGCATTGCCATGAGCCCCCGGAACATCCAAGAGCC[G>C]GAGGCCCCCACCGCCACCCCCAAAGCAGGCCCCACATTAGCCCAGTCCCGGGAGAGTAAG-3'
Protein context (NP_060482.2, residues 1397-1417): IAMSPRNIQE[Pro1407=]EAPTATPKAG